The following is an entry in ClinVar:

ClinVar aggregate classification (germline): Likely benign. Review status: criteria provided, multiple submitters, no conflicts (2 of 4 stars). 3 submissions from 3 submitters: Likely benign (3). Last evaluated 2025-11-24.

Conditions:
Hereditary cancer-predisposing syndrome. Also called: Tumor predisposition; Hereditary Cancer Syndrome; Hereditary neoplastic syndrome; Neoplastic Syndromes, Hereditary. Identifiers: Orphanet 140162, MedGen C0027672, MeSH D009386, MONDO:0015356.

Allele frequency attached by ClinVar (database versions not stated): gnomAD 0.00001; TOPMed 0.00001.
gnomAD v4.1: 2 of 1,613,874 alleles (0.00012%); highest among the groups gnomAD compares: East Asian, 0.0045%; no homozygotes.

Submissions (3):

Labcorp Genetics (formerly Invitae), Labcorp
Classification: Likely benign. Last evaluated: 2025-11-24. Review status: criteria provided, single submitter. Criteria: Invitae Variant Classification Sherloc (09022015). Collection method: clinical testing. Allele origin: germline.

GeneDx
Classification: Likely benign. Last evaluated: 2018-05-25. Review status: criteria provided, single submitter. Criteria: GeneDx Variant Classification (06012015). Collection method: clinical testing. Allele origin: germline. Affected: yes.
Comment: This variant is considered likely benign or benign based on one or more of the following criteria: it is a conservative change, it occurs at a poorly conserved position in the protein, it is predicted to be benign by multiple in silico algorithms, and/or has population frequency not consistent with disease.

Ambry Genetics
Classification: Likely benign for Hereditary cancer-predisposing syndrome. Last evaluated: 2016-01-04. Review status: criteria provided, single submitter. Criteria: Ambry Variant Classification Scheme 2023. Collection method: clinical testing. Allele origin: germline.

NM_006231.4(POLE):c.3546G>A (p.Lys1182=)

Gene: POLE (DNA polymerase epsilon, catalytic subunit; minus strand). Cytogenetic location: 12q24.33.
Variant type: single nucleotide variant.
Coding change: c.3546G>A on transcript NM_006231.4 (MANE Select); coding-DNA position 3546, G replaced by A.
Protein change: p.Lys1182=; no amino-acid change (lysine 1182 retained).
Molecular consequence: synonymous variant.
Genome position (GRCh38, 1-based): chr12:132,657,172, C>T on the plus strand (G>A on the coding strand, the complement: POLE is on the minus strand). VCF-style: chr12-132657172-C-T. GRCh37 (hg19) VCF-style: chr12-133233758-C-T.
Identifiers: ClinVar variation 486956 (VCV000486956.17), dbSNP rs1393231299, ClinGen allele CA482731419.